The following is an entry in ClinVar:

NM_006416.5(SLC35A1):c.677A>G (p.Tyr226Cys)

Gene: SLC35A1 (solute carrier family 35 member A1; plus strand). Cytogenetic location: 6q15.
Variant type: single nucleotide variant.
Coding change: c.677A>G on transcript NM_006416.5 (MANE Select); coding-DNA position 677, A replaced by G.
Protein change: p.Tyr226Cys; replaces tyrosine 226 with cysteine.
Molecular consequence: missense variant. On other transcripts: intron variant (1).
Genome position (GRCh38, 1-based): chr6:87,508,522, A>G. VCF-style: chr6-87508522-A-G. GRCh37 (hg19) VCF-style: chr6-88218240-A-G.
Other names: c.575-519A>G (NM_001168398.2); short protein forms Y226C.
Identifiers: ClinVar variation 3781209 (VCV003781209.1).

ClinVar aggregate classification (germline): Uncertain significance (1 of 4 stars; one submission).

Submission:

GeneDx
Classification: Uncertain significance. Last evaluated: 2024-10-20. Review status: criteria provided, single submitter. Criteria: GeneDx Variant Classification Process June 2021. Collection method: clinical testing. Allele origin: germline. Affected: yes.
Comment: Not observed at significant frequency in large population cohorts (gnomAD); In silico analysis supports that this missense variant has a deleterious effect on protein structure/function; Has not been previously published as pathogenic or benign to our knowledge